The following is an entry in ClinVar:

NM_001080467.3(MYO5B):c.2486G>A (p.Arg829His)

Gene: MYO5B (myosin VB; minus strand). Cytogenetic location: 18q21.1.
Variant type: single nucleotide variant.
Coding change: c.2486G>A on transcript NM_001080467.3 (MANE Select); coding-DNA position 2486, G replaced by A.
Protein change: p.Arg829His; replaces arginine 829 with histidine.
Molecular consequence: missense variant.
Genome position (GRCh38, 1-based): chr18:49,904,757, C>T on the plus strand (G>A on the coding strand, the complement: MYO5B is on the minus strand). VCF-style: chr18-49904757-C-T. GRCh37 (hg19) VCF-style: chr18-47431127-C-T.
Other names: c.2486G>A (NM_001080467.2); short protein forms R829H.
Identifiers: ClinVar variation 1395633 (VCV001395633.9), dbSNP rs772273050, ClinGen allele CA8961059.

ClinVar aggregate classification (germline): Conflicting classifications of pathogenicity. Review status: criteria provided, conflicting classifications (1 of 4 stars). 4 submissions from 4 submitters: Uncertain significance (3); Likely benign (1). Last evaluated 2026-03-07.

Conditions:
Inborn genetic diseases. Identifiers: MedGen C0950123, MeSH D030342.

Allele frequency attached by ClinVar (database versions not stated): TOPMed 0.00004; ExAC 0.00006.
gnomAD v4.1: 50 of 1,613,862 alleles (0.0031%); highest among the groups gnomAD compares: Middle Eastern, 0.016%; no homozygotes.

Submissions (4):

GeneDx
Classification: Uncertain significance. Last evaluated: 2026-03-07. Review status: criteria provided, single submitter. Criteria: GeneDx Variant Classification Process June 2021. Collection method: clinical testing. Allele origin: germline.
Comment: In silico analysis supports that this missense variant has a deleterious effect on protein structure/function; Has not been previously published as pathogenic or benign to our knowledge

Labcorp Genetics (formerly Invitae), Labcorp
Classification: Uncertain significance. Last evaluated: 2024-11-04. Review status: criteria provided, single submitter. Criteria: Invitae Variant Classification Sherloc (09022015). Collection method: clinical testing. Allele origin: germline.
Comment: This sequence change replaces arginine, which is basic and polar, with histidine, which is basic and polar, at codon 829 of the MYO5B protein (p.Arg829His). This variant is present in population databases (rs772273050, gnomAD 0.01%). This variant has not been reported in the literature in individuals affected with MYO5B-related conditions. ClinVar contains an entry for this variant (Variation ID: 1395633). An algorithm developed to predict the effect of missense changes on protein structure and function outputs the following: PolyPhen-2: "Benign". The histidine amino acid residue is found in multiple mammalian species, which suggests that this missense change does not adversely affect protein function. In summary, the available evidence is currently insufficient to determine the role of this variant in disease. Therefore, it has been classified as a Variant of Uncertain Significance.

Ambry Genetics
Classification: Likely benign for Inborn genetic diseases. Last evaluated: 2024-02-27. Review status: criteria provided, single submitter. Criteria: Ambry Variant Classification Scheme 2023. Collection method: clinical testing. Allele origin: germline.

Breakthrough Genomics
Classification: Uncertain significance. Review status: criteria provided, single submitter. Criteria: ACMG Guidelines, 2015. Collection method: not provided. Allele origin: germline. Inheritance: Autosomal recessive inheritance. Affected: yes.